The following is an entry in ClinVar:

NM_052867.4(NALCN):c.2890G>A (p.Val964Met)

Gene: NALCN (sodium leak channel, non-selective; minus strand). Cytogenetic location: 13q33.1.
Variant type: single nucleotide variant.
Coding change: c.2890G>A on transcript NM_052867.4 (MANE Select); coding-DNA position 2890, G replaced by A.
Protein change: p.Val964Met; replaces valine 964 with methionine.
Molecular consequence: missense variant.
Genome position (GRCh38, 1-based): chr13:101,103,339, C>T on the plus strand (G>A on the coding strand, the complement: NALCN is on the minus strand). VCF-style: chr13-101103339-C-T. GRCh37 (hg19) VCF-style: chr13-101755690-C-T.
Other names: c.2977G>A, p.Val993Met (NM_001350748.2); c.2890G>A, p.Val964Met (NM_001350749.2); c.2803G>A, p.Val935Met (NM_001350750.2, NM_001350751.2); short protein forms V935M, V964M, V993M.
Identifiers: ClinVar variation 2430838 (VCV002430838.1), dbSNP rs369778225, ClinGen allele CA388669471.

ClinVar aggregate classification (germline): Uncertain significance (1 of 4 stars; one submission).

gnomAD v4.1: 3 of 1,603,244 alleles (0.00019%); highest among the groups gnomAD compares: Admixed American, 0.0018%; no homozygotes.

Submission:

GeneDx
Classification: Uncertain significance. Last evaluated: 2022-08-16. Review status: criteria provided, single submitter. Criteria: GeneDx Variant Classification Process June 2021. Collection method: clinical testing. Allele origin: germline. Affected: yes.
Comment: Not observed at significant frequency in large population cohorts (gnomAD); In silico analysis supports that this missense variant does not alter protein structure/function; Has not been previously published as pathogenic or benign to our knowledge